The following is an entry in ClinVar:

ClinVar aggregate classification (germline): Likely pathogenic (1 of 4 stars; one submission).

Conditions:
Leber congenital amaurosis (LCA). Also called: Leber's amaurosis. Identifiers: Orphanet 65, MedGen C0339527, MeSH D057130, MONDO:0018998.

Submission:

Natera, Inc.
Classification: Likely pathogenic for Leber congenital amaurosis. Last evaluated: 2025-10-29. Review status: criteria provided, single submitter. Criteria: Natera Variant Classification Schema (03/2026). Collection method: clinical testing. Allele origin: germline.
Comment: The c.2300del variant in CRB1 is a frameshift variant predicted to shift the reading frame beginning at codon 767 and leads to a stop codon 6 codons downstream. This variant is expected to result in nonsense mediated decay, truncation, or a dysfunctional protein product. This variant is rare in the general population with a frequency below the threshold expected for the associated phenotype(s). Given the available evidence, this variant is classified as Likely Pathogenic.

NM_201253.3(CRB1):c.2300del (p.Leu767fs)

Gene: CRB1 (crumbs cell polarity complex component 1; plus strand). Cytogenetic location: 1q31.3.
Variant type: Deletion.
Coding change: c.2300del on transcript NM_201253.3 (MANE Select); coding-DNA position 2300, one base deleted (T; older notation c.2300delT).
Protein change: p.Leu767fs; shifts the reading frame from leucine 767.
Molecular consequence: frameshift variant. On other transcripts: non-coding transcript variant (2), intron variant (1).
Genome position (GRCh38, 1-based): chr1:197,427,625, T deleted. VCF-style (leftmost placement, unchanged base first): chr1-197427624-CT-C. GRCh37 (hg19) VCF-style: chr1-197396754-CT-C.
Other names: c.1964del, p.Leu655fs (NM_001193640.2); c.2093del, p.Leu698fs (NM_001257965.2); c.2128+5669del (NM_001257966.2); short protein forms L655fs, L698fs, L767fs.
Identifiers: ClinVar variation 4817056 (VCV004817056.1).